The following is an entry in ClinVar:

NM_002439.5(MSH3):c.2163T>A (p.Gly721=)

Gene: MSH3 (mutS homolog 3; plus strand). Cytogenetic location: 5q14.1.
Variant type: single nucleotide variant.
Coding change: c.2163T>A on transcript NM_002439.5 (MANE Select); coding-DNA position 2163, T replaced by A.
Protein change: p.Gly721=; no amino-acid change (glycine 721 retained).
Molecular consequence: synonymous variant.
Genome position (GRCh38, 1-based): chr5:80,768,913, T>A. VCF-style: chr5-80768913-T-A. GRCh37 (hg19) VCF-style: chr5-80064732-T-A.
Other names: c.2163T>A (NM_002439.4).
Identifiers: ClinVar variation 3222257 (VCV003222257.2), dbSNP rs2546774255, ClinGen allele CA445163088.
Genomic context (GRCh38, chr5:80,768,913, plus strand): 5'-ATTATTTAAAGACCTTTCTGACTTCCCTTTAATAAAAAAGAGGAAGGATGAAATTCAAGG[T>A]GTTATTGACGAGATCCGAATGCATTTGCAAGAAATACGAAAAATACTAAAAAATCCTTCT-3'
Protein context (NP_002430.3, residues 711-731): LIKKRKDEIQ[Gly721=]VIDEIRMHLQ

ClinVar aggregate classification (germline): Conflicting classifications of pathogenicity. Review status: criteria provided, conflicting classifications (1 of 4 stars). 2 submissions from 2 submitters: Uncertain significance (1); Likely benign (1). Last evaluated 2024-02-21.

Conditions:
Familial adenomatous polyposis 4 (FAP4). Also called: MSH3-related attenuated familial adenomatous polyposis. Identifiers: Orphanet 480536, MedGen C4310719, MONDO:0044300, OMIM 617100.
Hereditary cancer-predisposing syndrome. Also called: Tumor predisposition; Hereditary neoplastic syndrome; Hereditary Cancer Syndrome; Neoplastic Syndromes, Hereditary. Identifiers: Orphanet 140162, MedGen C0027672, MeSH D009386, MONDO:0015356.

Submissions (2):

Department of Pathology and Laboratory Medicine, Sinai Health System
Classification: Likely benign for Familial adenomatous polyposis 4. Last evaluated: 2024-02-21. Review status: criteria provided, single submitter. Criteria: ACMG Guidelines, 2015. Collection method: clinical testing. Allele origin: germline. Affected: yes.

Ambry Genetics
Classification: Uncertain significance for Hereditary cancer-predisposing syndrome. Last evaluated: 2023-10-26. Review status: criteria provided, single submitter. Criteria: Ambry Variant Classification Scheme 2023. Collection method: clinical testing. Allele origin: germline.
Comment: The c.2163T>A variant (also known as p.G721G), located in coding exon 15 of the MSH3 gene, results from a T to A substitution at nucleotide position 2163. This nucleotide substitution does not change the glycine at codon 721. This nucleotide position is not well conserved in available vertebrate species. In silico splice site analysis for this alteration is inconclusive. Since supporting evidence is limited at this time, the clinical significance of this alteration remains unclear.